The following is an entry in ClinVar:

ClinVar aggregate classification (germline): Uncertain significance (1 of 4 stars; one submission).

Conditions:
Cardiovascular phenotype. Identifiers: MedGen CN230736.

gnomAD v4.1: 6 of 1,518,158 alleles (0.0004%); highest among the groups gnomAD compares: African/African-American, 0.0028%; no homozygotes.

Submission:

Ambry Genetics
Classification: Uncertain significance for Cardiovascular phenotype. Last evaluated: 2026-05-03. Review status: criteria provided, single submitter. Criteria: Ambry Variant Classification Scheme 2023. Collection method: clinical testing. Allele origin: germline.
Comment: The p.G3290S variant (also known as c.9868G>A), located in coding exon 2 of the ZNF469 gene, results from a G to A substitution at nucleotide position 9868. The glycine at codon 3290 is replaced by serine, an amino acid with similar properties. This amino acid position is conserved. In addition, this alteration is predicted to be tolerated by in silico analysis. Based on the available evidence, the clinical significance of this variant remains unclear.

NM_001367624.2(ZNF469):c.9952G>A (p.Gly3318Ser)

Gene: ZNF469 (zinc finger protein 469; plus strand). Cytogenetic location: 16q24.2.
Variant type: single nucleotide variant.
Coding change: c.9952G>A on transcript NM_001367624.2 (MANE Select); coding-DNA position 9952, G replaced by A.
Protein change: p.Gly3318Ser; replaces glycine 3318 with serine.
Molecular consequence: missense variant.
Genome position (GRCh38, 1-based): chr16:88,437,422, G>A. VCF-style: chr16-88437422-G-A. GRCh37 (hg19) VCF-style: chr16-88503830-G-A.
Other names: NM_001127464.1:c.9868G>A; short protein forms G3318S.
Identifiers: ClinVar variation 4867009 (VCV004867009.1).